The following is an entry in ClinVar:

ClinVar aggregate classification (germline): Likely benign. Review status: criteria provided, multiple submitters, no conflicts (2 of 4 stars). 4 submissions from 4 submitters: Likely benign (3). 1 of the submissions does not count toward it. Last evaluated 2026-03-01.

Conditions:
H1-4-related disorder. Also called: H1-4-related condition.

Allele frequency attached by ClinVar (database versions not stated): TOPMed 0.00012; 1000 Genomes Project 30x 0.00016; ESP Exome Variant Server 0.00031; gnomAD 0.00048; ExAC 0.00059.
gnomAD v4.1: 510 of 1,614,170 alleles (0.032%); highest among the groups gnomAD compares: East Asian, 0.069%; no homozygotes.

Submissions (4):

CeGaT Center for Human Genetics Tuebingen
Classification: Likely benign. Last evaluated: 2026-03-01. Review status: criteria provided, single submitter. Criteria: CeGaT Center For Human Genetics Tuebingen Variant Classification Criteria Version 2. Collection method: clinical testing. Allele origin: germline. Affected: yes. Observed: 4 variant alleles.
Comment: H1-4: BP4, BP7

Laboratory of Genetics, Children's Clinical University Hospital Latvia
Classification: Likely benign. Last evaluated: 2025-02-16. Review status: criteria provided, single submitter. Criteria: ACMG Guidelines, 2015. Collection method: clinical testing. Allele origin: germline. Affected: yes.

Blueprint Genetics
Classification: Likely benign. Last evaluated: 2024-11-08. Review status: criteria provided, single submitter. Criteria: ACMG Guidelines, 2015. Collection method: clinical testing. Allele origin: germline.

PreventionGenetics, part of Exact Sciences
Classification: Likely benign for H1-4-related condition. Last evaluated: 2019-08-28. Review status: no assertion criteria provided. Collection method: clinical testing. Allele origin: germline. Not counted in ClinVar's aggregate classification.
Comment: This variant is classified as likely benign based on ACMG/AMP sequence variant interpretation guidelines (Richards et al. 2015 PMID: 25741868, with internal and published modifications).

NM_005321.3(H1-4):c.171A>G (p.Val57=)

Gene: H1-4 (H1.4 linker histone, cluster member; plus strand). Cytogenetic location: 6p22.2.
Variant type: single nucleotide variant.
Coding change: c.171A>G on transcript NM_005321.3 (MANE Select); coding-DNA position 171, A replaced by G.
Protein change: p.Val57=; no amino-acid change (valine 57 retained).
Molecular consequence: synonymous variant.
Genome position (GRCh38, 1-based): chr6:26,156,561, A>G. VCF-style: chr6-26156561-A-G. GRCh37 (hg19) VCF-style: chr6-26156789-A-G.
Other names: c.171A>G (NM_005321.2).
Identifiers: ClinVar variation 2656301 (VCV002656301.27), dbSNP rs139757464, ClinGen allele CA3667950.